The following is an entry in ClinVar:

NM_004172.5(SLC1A3):c.875G>A (p.Gly292Asp)

Genes: SLC1A3 (solute carrier family 1 member 3; plus strand), SLC1A3-AS1 (SLC1A3 antisense RNA 1; minus strand). Cytogenetic location: 5p13.2.
Variant type: single nucleotide variant.
Coding change: c.875G>A on transcript NM_004172.5 (MANE Select); coding-DNA position 875, G replaced by A.
Protein change: p.Gly292Asp; replaces glycine 292 with aspartic acid.
Molecular consequence: missense variant.
Genome position (GRCh38, 1-based): chr5:36,679,641, G>A. VCF-style: chr5-36679641-G-A. GRCh37 (hg19) VCF-style: chr5-36679743-G-A.
Other names: c.875G>A, p.Gly292Asp (NM_001166695.3); c.737G>A, p.Gly246Asp (NM_001289939.2); c.539G>A, p.Gly180Asp (NM_001289940.2); short protein forms G180D, G246D, G292D.
Identifiers: ClinVar variation 3378123 (VCV003378123.1).
Genomic context (GRCh38, chr5:36,679,641, plus strand): 5'-TTGGTGGAAACCAGACTCCAACCGTGCTGGTGTTGCTTCTCCCCAGGTATGCCCCCGTGG[G>A]TATTCTCTTCCTGATTGCTGGGAAGATTGTGGAGATGGAAGACATGGGTGTGATTGGGGG-3'
Protein context (NP_004163.3, residues 282-302): VAVIMWYAPV[Gly292Asp]ILFLIAGKIV

ClinVar aggregate classification (germline): Uncertain significance (1 of 4 stars; one submission).

Submission:

GeneDx
Classification: Uncertain significance. Last evaluated: 2024-05-14. Review status: criteria provided, single submitter. Criteria: GeneDx Variant Classification Process June 2021. Collection method: clinical testing. Allele origin: germline. Affected: yes.
Comment: Not observed at significant frequency in large population cohorts (gnomAD); In silico analysis supports that this missense variant has a deleterious effect on protein structure/function; Has not been previously published as pathogenic or benign to our knowledge